The following is an entry in ClinVar:

NM_001130009.3(GEN1):c.1034T>C (p.Val345Ala)

Gene: GEN1 (GEN1 structure-specific endonuclease; plus strand). Cytogenetic location: 2p24.2.
Variant type: single nucleotide variant.
Coding change: c.1034T>C on transcript NM_001130009.3 (MANE Select); coding-DNA position 1034, T replaced by C.
Protein change: p.Val345Ala; replaces valine 345 with alanine.
Molecular consequence: missense variant.
Genome position (GRCh38, 1-based): chr2:17,773,262, T>C. VCF-style: chr2-17773262-T-C. GRCh37 (hg19) VCF-style: chr2-17954529-T-C.
Other names: c.1034T>C, p.Val345Ala (NM_182625.5); short protein forms V345A.
Identifiers: ClinVar variation 4857962 (VCV004857962.1).

ClinVar aggregate classification (germline): Uncertain significance (1 of 4 stars; one submission).

gnomAD v4.1: 1 of 1,602,324 alleles (0.000062%); highest among the groups gnomAD compares: South Asian, 0.0011%; no homozygotes.

Submission:

Ambry Genetics
Classification: Uncertain significance. Last evaluated: 2026-04-22. Review status: criteria provided, single submitter. Criteria: Ambry Variant Classification Scheme 2023. Collection method: clinical testing. Allele origin: germline.
Comment: The p.V345A variant (also known as c.1034T>C), located in coding exon 9 of the GEN1 gene, results from a T to C substitution at nucleotide position 1034. The valine at codon 345 is replaced by alanine, an amino acid with similar properties. This amino acid position is conserved. In addition, this alteration is predicted to be tolerated by in silico analysis. Based on the available evidence, the clinical significance of this variant remains unclear.